The following is an entry in ClinVar:

ClinVar aggregate classification (germline): Uncertain significance (1 of 4 stars; one submission).

Conditions:
Cardiovascular phenotype. Identifiers: MedGen CN230736.

Allele frequency attached by ClinVar (database versions not stated): TOPMed below 0.00001; gnomAD 0.00001.
gnomAD v4.1: 2 of 1,613,416 alleles (0.00012%); highest among the groups gnomAD compares: African/African-American, 0.0013%; no homozygotes.

Submission:

Ambry Genetics
Classification: Uncertain significance for Cardiovascular phenotype. Last evaluated: 2022-08-08. Review status: criteria provided, single submitter. Criteria: Ambry Variant Classification Scheme 2023. Collection method: clinical testing. Allele origin: germline.
Comment: The p.I165V variant (also known as c.493A>G), located in coding exon 4 of the CASQ2 gene, results from an A to G substitution at nucleotide position 493. The isoleucine at codon 165 is replaced by valine, an amino acid with highly similar properties. This amino acid position is conserved. In addition, this alteration is predicted to be tolerated by in silico analysis. Since supporting evidence is limited at this time, the clinical significance of this alteration remains unclear.

NM_001232.4(CASQ2):c.493A>G (p.Ile165Val)

Gene: CASQ2 (calsequestrin 2; minus strand). Cytogenetic location: 1p13.1.
Variant type: single nucleotide variant.
Coding change: c.493A>G on transcript NM_001232.4 (MANE Select); coding-DNA position 493, A replaced by G.
Protein change: p.Ile165Val; replaces isoleucine 165 with valine.
Molecular consequence: missense variant.
Genome position (GRCh38, 1-based): chr1:115,738,263, T>C on the plus strand (A>G on the coding strand, the complement: CASQ2 is on the minus strand). VCF-style: chr1-115738263-T-C. GRCh37 (hg19) VCF-style: chr1-116280884-T-C.
Other names: short protein forms I165V.
Identifiers: ClinVar variation 1744246 (VCV001744246.2), dbSNP rs1195549203, ClinGen allele CA341763867.